The following is an entry in ClinVar:

NM_031418.4(ANO3):c.49A>G (p.Met17Val)

Gene: ANO3 (anoctamin 3; plus strand). Cytogenetic location: 11p14.2.
Variant type: single nucleotide variant.
Coding change: c.49A>G on transcript NM_031418.4 (MANE Select); coding-DNA position 49, A replaced by G.
Protein change: p.Met17Val; replaces methionine 17 with valine.
Molecular consequence: missense variant.
Genome position (GRCh38, 1-based): chr11:26,441,920, A>G. VCF-style: chr11-26441920-A-G. GRCh37 (hg19) VCF-style: chr11-26463467-A-G.
Other names: c.232A>G, p.Met78Val (NM_001313726.2); short protein forms M17V, M78V.
Identifiers: ClinVar variation 3368561 (VCV003368561.1).

ClinVar aggregate classification (germline): Uncertain significance (1 of 4 stars; one submission).

Submission:

GeneDx
Classification: Uncertain significance. Last evaluated: 2024-02-01. Review status: criteria provided, single submitter. Criteria: GeneDx Variant Classification Process June 2021. Collection method: clinical testing. Allele origin: germline. Affected: yes.
Comment: Not observed at significant frequency in large population cohorts (gnomAD); In silico analysis supports that this missense variant does not alter protein structure/function; Has not been previously published as pathogenic or benign to our knowledge